The following is an entry in ClinVar:

NM_001369369.1(FOXN1):c.598G>A (p.Val200Ile)

Gene: FOXN1 (forkhead box N1; plus strand). Cytogenetic location: 17q11.2.
Variant type: single nucleotide variant.
Coding change: c.598G>A on transcript NM_001369369.1 (MANE Select); coding-DNA position 598, G replaced by A.
Protein change: p.Val200Ile; replaces valine 200 with isoleucine.
Molecular consequence: missense variant.
Genome position (GRCh38, 1-based): chr17:28,527,260, G>A. VCF-style: chr17-28527260-G-A. GRCh37 (hg19) VCF-style: chr17-26854278-G-A.
Other names: c.598G>A, p.Val200Ile (NM_003593.3); short protein forms V200I.
Identifiers: ClinVar variation 3681228 (VCV003681228.2).

ClinVar aggregate classification (germline): Uncertain significance (1 of 4 stars; one submission).

Conditions:
T-cell immunodeficiency, congenital alopecia, and nail dystrophy. Also called: Congenital alopecia and nail dystrophy associated with severe functional T-cell immunodeficiency; Pignata Guarino syndrome. Identifiers: Orphanet 169095, MedGen C1866426, MONDO:0011132, OMIM 601705.

gnomAD v4.1: 1 of 1,612,348 alleles (0.000062%); highest among the groups gnomAD compares: Non-Finnish European, 0.000085%; no homozygotes.

Submission:

Labcorp Genetics (formerly Invitae), Labcorp
Classification: Uncertain significance for T-cell immunodeficiency, congenital alopecia, and nail dystrophy. Last evaluated: 2024-08-14. Review status: criteria provided, single submitter. Criteria: Invitae Variant Classification Sherloc (09022015). Collection method: clinical testing. Allele origin: germline.
Comment: This sequence change replaces valine, which is neutral and non-polar, with isoleucine, which is neutral and non-polar, at codon 200 of the FOXN1 protein (p.Val200Ile). This variant is not present in population databases (gnomAD no frequency). This variant has not been reported in the literature in individuals affected with FOXN1-related conditions. Invitae Evidence Modeling of protein sequence and biophysical properties (such as structural, functional, and spatial information, amino acid conservation, physicochemical variation, residue mobility, and thermodynamic stability) indicates that this missense variant is not expected to disrupt FOXN1 protein function with a negative predictive value of 80%. In summary, the available evidence is currently insufficient to determine the role of this variant in disease. Therefore, it has been classified as a Variant of Uncertain Significance.